The following is an entry in ClinVar:

NM_006361.6(HOXB13):c.600A>G (p.Ala200=)

Gene: HOXB13 (homeobox B13; minus strand). Cytogenetic location: 17q21.32.
Variant type: single nucleotide variant.
Coding change: c.600A>G on transcript NM_006361.6 (MANE Select); coding-DNA position 600, A replaced by G.
Protein change: p.Ala200=; no amino-acid change (alanine 200 retained).
Molecular consequence: synonymous variant.
Genome position (GRCh38, 1-based): chr17:48,727,994, T>C on the plus strand (A>G on the coding strand, the complement: HOXB13 is on the minus strand). VCF-style: chr17-48727994-T-C. GRCh37 (hg19) VCF-style: chr17-46805356-T-C.
Identifiers: ClinVar variation 826130 (VCV000826130.6), dbSNP rs1372419901, ClinGen allele CA500660772.

ClinVar aggregate classification (germline): Uncertain significance. Review status: criteria provided, multiple submitters, no conflicts (2 of 4 stars). 2 submissions from 2 submitters: Uncertain significance (2). Last evaluated 2026-02-17.

Conditions:
Hereditary cancer-predisposing syndrome. Also called: Hereditary Cancer Syndrome; Tumor predisposition; Neoplastic Syndromes, Hereditary; Hereditary neoplastic syndrome. Identifiers: Orphanet 140162, MedGen C0027672, MeSH D009386, MONDO:0015356.

Allele frequency attached by ClinVar (database versions not stated): gnomAD exomes below 0.00001.

Submissions (2):

Ambry Genetics
Classification: Uncertain significance for Hereditary cancer-predisposing syndrome. Last evaluated: 2026-02-17. Review status: criteria provided, single submitter. Criteria: Ambry Variant Classification Scheme 2023. Collection method: clinical testing. Allele origin: germline.
Comment: The c.600A>G variant (also known as p.A200A), located in coding exon 1, results from an A to G substitution at nucleotide position 600 of the HOXB13 gene. This nucleotide substitution does not change the amino acid at codon 200. This nucleotide position is conserved through mammals. In silico splice site analysis predicts that this alteration may weaken the native splice donor site. Based on the available evidence, the clinical significance of this variant remains unclear.

Labcorp Genetics (formerly Invitae), Labcorp
Classification: Uncertain significance. Last evaluated: 2026-01-28. Review status: criteria provided, single submitter. Criteria: Invitae Variant Classification Sherloc (09022015). Collection method: clinical testing. Allele origin: germline.
Comment: This sequence change affects codon 200 of the HOXB13 mRNA. It is a 'silent' change, meaning that it does not change the encoded amino acid sequence of the HOXB13 protein. It affects a nucleotide within the consensus splice site. This variant is not present in population databases (gnomAD no frequency). This variant has not been reported in the literature in individuals affected with HOXB13-related conditions. ClinVar contains an entry for this variant (Variation ID: 826130). Algorithms developed to predict the effect of sequence changes on RNA splicing suggest that this variant may disrupt the consensus splice site. In summary, the available evidence is currently insufficient to determine the role of this variant in disease. Therefore, it has been classified as a Variant of Uncertain Significance.